The following is an entry in ClinVar:

ClinVar aggregate classification (germline): Uncertain significance. Review status: criteria provided, multiple submitters, no conflicts (2 of 4 stars). 2 submissions from 2 submitters: Uncertain significance (2). Last evaluated 2025-09-26.

Conditions:
CFI-related disorder. Also called: CFI-related disorders; CFI-related condition. Identifiers: MedGen CN239325.

gnomAD v4.1: 5 of 1,612,080 alleles (0.00031%); highest among the groups gnomAD compares: Non-Finnish European, 0.00042%; no homozygotes.

Submissions (2):

Genomenon, Inc
Classification: Uncertain significance for CFI-related disorder. Last evaluated: 2025-09-26. Review status: criteria provided, single submitter. Criteria: Genomenon Sequence Variant Interpretation Standards - Updated. Collection method: curation. Allele origin: germline. Affected: no.
Comment: CFI p.Phe13Val (c.37T>G) is a missense variant that changes the amino acid at residue 13 from Phenylalanine to Valine. This variant has been reported in the published literature (PMID:32510551). It is absent or not present at a significant frequency in gnomAD. In silico models agree that this variant is not damaging. In conclusion, we classify CFI p.Phe13Val (c.37T>G) as a variant of unknown significance.

Labcorp Genetics (formerly Invitae), Labcorp
Classification: Uncertain significance. Last evaluated: 2024-10-12. Review status: criteria provided, single submitter. Criteria: Invitae Variant Classification Sherloc (09022015). Collection method: clinical testing. Allele origin: germline.
Comment: This sequence change replaces phenylalanine, which is neutral and non-polar, with valine, which is neutral and non-polar, at codon 13 of the CFI protein (p.Phe13Val). This variant is present in population databases (rs758910398, gnomAD 0.002%). This missense change has been observed in individual(s) with clinical features of CFI-related conditions (PMID: 29888403). Invitae Evidence Modeling of protein sequence and biophysical properties (such as structural, functional, and spatial information, amino acid conservation, physicochemical variation, residue mobility, and thermodynamic stability) indicates that this missense variant is not expected to disrupt CFI protein function with a negative predictive value of 95%. Studies have shown that this missense change does not significantly alter or has an unclear effect on CFI gene expression (PMID: 32510551). In summary, the available evidence is currently insufficient to determine the role of this variant in disease. Therefore, it has been classified as a Variant of Uncertain Significance.

Literature cited by the submitters: PubMed 32510551 (cited by Genomenon, Inc and Labcorp Genetics (formerly Invitae), Labcorp); PubMed 29888403 (cited by Labcorp Genetics (formerly Invitae), Labcorp).

NM_000204.5(CFI):c.37T>G (p.Phe13Val)

Gene: CFI (complement factor I; minus strand). Cytogenetic location: 4q25.
Variant type: single nucleotide variant.
Coding change: c.37T>G on transcript NM_000204.5 (MANE Select); coding-DNA position 37, T replaced by G.
Protein change: p.Phe13Val; replaces phenylalanine 13 with valine.
Molecular consequence: missense variant. On other transcripts: 5 prime UTR variant (1), non-coding transcript variant (3).
Genome position (GRCh38, 1-based): chr4:109,801,935, A>C on the plus strand (T>G on the coding strand, the complement: CFI is on the minus strand). VCF-style: chr4-109801935-A-C. GRCh37 (hg19) VCF-style: chr4-110723091-A-C.
Other names: c.37T>G, p.Phe13Val (NM_001318057.2, NM_001331035.2, NM_001375278.1 and 5 more transcripts); c.-148T>G (NM_001375284.1); short protein forms F13V.
Identifiers: ClinVar variation 3704382 (VCV003704382.3).